The following is an entry in ClinVar:

ClinVar aggregate classification (germline): Likely pathogenic (1 of 4 stars; one submission).

Conditions:
Yoon-Bellen neurodevelopmental syndrome (YOBELN). Identifiers: MedGen C5562066, MONDO:0859221, OMIM 619701.

Submission:

3billion
Classification: Likely pathogenic for Yoon-Bellen neurodevelopmental syndrome. Last evaluated: 2025-12-05. Review status: criteria provided, single submitter. Criteria: ACMG Guidelines, 2015. Collection method: clinical testing. Allele origin: germline. Affected: yes.
Comment: The variant is not observed in the gnomAD v4.1.0 dataset. Predicted Consequence/Location: Stop-gained (nonsense): predicted to result in a loss or disruption of normal protein function through nonsense-mediated decay (NMD) or protein truncation. Multiple pathogenic variants are reported downstream of the variant. Therefore, this variant is classified as Likely pathogenic according to the recommendation of ACMG/AMP guideline.

NM_018245.3(OGDHL):c.2123C>A (p.Ser708Ter)

Gene: OGDHL (oxoglutarate dehydrogenase L; minus strand). Cytogenetic location: 10q11.23.
Variant type: single nucleotide variant.
Coding change: c.2123C>A on transcript NM_018245.3 (MANE Select); coding-DNA position 2123, C replaced by A.
Protein change: p.Ser708Ter; replaces serine 708 with a stop codon.
Molecular consequence: nonsense. On other transcripts: non-coding transcript variant (5).
Genome position (GRCh38, 1-based): chr10:49,740,727, G>T on the plus strand (C>A on the coding strand, the complement: OGDHL is on the minus strand). VCF-style: chr10-49740727-G-T. GRCh37 (hg19) VCF-style: chr10-50948773-G-T.
Other names: c.1952C>A, p.Ser651Ter (NM_001143996.2, NM_001347820.1); c.1496C>A, p.Ser499Ter (NM_001143997.2, NM_001347821.2, NM_001347822.1); c.2123C>A, p.Ser708Ter (NM_001347819.1); c.1943C>A, p.Ser648Ter (NM_001347823.1, NM_001347824.2); c.1316C>A, p.Ser439Ter (NM_001347825.2); c.926C>A, p.Ser309Ter (NM_001347826.1); short protein forms S309*, S439*, S499*, S648*, S651*, S708*.
Identifiers: ClinVar variation 4854992 (VCV004854992.1).